The following is an entry in ClinVar:

ClinVar aggregate classification (germline): Uncertain significance. Review status: criteria provided, multiple submitters, no conflicts (2 of 4 stars). 2 submissions from 2 submitters: Uncertain significance (2). Last evaluated 2024-03-11.

Conditions:
Retinitis pigmentosa-hearing loss-premature aging-short stature-facial dysmorphism syndrome. Also called: Short stature, hearing loss, retinitis pigmentosa, and distinctive facies. Identifiers: Orphanet 494439, MedGen C4540367, MONDO:0044634, OMIM 617763.

gnomAD v4.1: 11 of 1,607,194 alleles (0.00068%); highest among the groups gnomAD compares: Non-Finnish European, 0.00094%; no homozygotes.

Submissions (2):

Labcorp Genetics (formerly Invitae), Labcorp
Classification: Uncertain significance. Last evaluated: 2024-03-11. Review status: criteria provided, single submitter. Criteria: Invitae Variant Classification Sherloc (09022015). Collection method: clinical testing. Allele origin: germline.
Comment: This sequence change replaces methionine, which is neutral and non-polar, with valine, which is neutral and non-polar, at codon 5 of the EXOSC2 protein (p.Met5Val). This variant is not present in population databases (gnomAD no frequency). This variant has not been reported in the literature in individuals affected with EXOSC2-related conditions. ClinVar contains an entry for this variant (Variation ID: 2047868). An algorithm developed to predict the effect of missense changes on protein structure and function (PolyPhen-2) suggests that this variant¬†is likely to be tolerated. In summary, the available evidence is currently insufficient to determine the role of this variant in disease. Therefore, it has been classified as a Variant of Uncertain Significance.

ARUP Laboratories, Molecular Genetics and Genomics, ARUP Laboratories
Classification: Uncertain significance for Retinitis pigmentosa-hearing loss-premature aging-short stature-facial dysmorphism syndrome. Review status: criteria provided, single submitter. Criteria: ARUP Molecular Germline Variant Investigation Process 2024. Collection method: clinical testing. Allele origin: germline.

NM_014285.7(EXOSC2):c.13A>G (p.Met5Val)

Gene: EXOSC2 (exosome component 2; plus strand). Cytogenetic location: 9q34.12.
Variant type: single nucleotide variant.
Coding change: c.13A>G on transcript NM_014285.7 (MANE Select); coding-DNA position 13, A replaced by G.
Protein change: p.Met5Val; replaces methionine 5 with valine.
Molecular consequence: missense variant. On other transcripts: non-coding transcript variant (1).
Genome position (GRCh38, 1-based): chr9:130,693,804, A>G. VCF-style: chr9-130693804-A-G. GRCh37 (hg19) VCF-style: chr9-133569191-A-G.
Other names: c.13A>G, p.Met5Val (NM_001282708.1, NM_001282709.1); short protein forms M5V.
Identifiers: ClinVar variation 2047868 (VCV002047868.4), dbSNP rs763460421, ClinGen allele CA375245879.
Genomic context (GRCh38, chr9:130,693,804, plus strand): 5'-ATCGCAGCTCCCGACTGAGCTGCGCCTGCGCAACTCATTGGCGCCAAGATGGCGATGGAG[A>G]TGAGGCTTCCAGTGGCTCGCAAGCCTCTTAGCGAGAGACTGGGCCGCGACACTAAGAAAC-3'
Protein context (NP_055100.2, residues 1-15): MAME[Met5Val]RLPVARKPLS